The following is an entry in ClinVar:

NM_018557.3(LRP1B):c.7388-7A>G

Gene: LRP1B (LDL receptor related protein 1B; minus strand). Cytogenetic location: 2q22.1.
Variant type: single nucleotide variant.
Coding change: c.7388-7A>G on transcript NM_018557.3 (MANE Select); 7 bases into the intron before coding-DNA position 7388, A replaced by G.
Molecular consequence: intron variant.
Genome position (GRCh38, 1-based): chr2:140,541,105, T>C on the plus strand (A>G on the coding strand, the complement: LRP1B is on the minus strand). VCF-style: chr2-140541105-T-C. GRCh37 (hg19) VCF-style: chr2-141298674-T-C.
Identifiers: ClinVar variation 3059846 (VCV003059846.2), dbSNP rs13013854, ClinGen allele CA1894324.
Genomic context (GRCh38, chr2:140,541,105, plus strand): 5'-AAAGGCACAAGTCATGGCAGCCTCCATTCAATAATGCACATGGAGAAAGTTCACCTACAA[T>C]AAAGAGGGTGTATTGGTAACATTTTATATCGAATTCCTGTTCTATGTTAGATAAATATTA-3'

ClinVar aggregate classification (germline): Benign (0 of 4 stars; one submission).

Conditions:
LRP1B-related disorder. Also called: LRP1B-related condition.

Allele frequency attached by ClinVar (database versions not stated): TOPMed 0.32852; 1000 Genomes Project 0.32947; 1000 Genomes Project 30x 0.32995; gnomAD 0.34797; ESP Exome Variant Server 0.34899; ExAC 0.39114; gnomAD exomes 0.42705.
gnomAD v4.1: 668,592 of 1,596,638 alleles (42%); highest among the groups gnomAD compares: Non-Finnish European, 44%; 144,794 homozygotes.

Submission:

PreventionGenetics, part of Exact Sciences
Classification: Benign for LRP1B-related condition. Last evaluated: 2019-10-18. Review status: no assertion criteria provided. Collection method: clinical testing. Allele origin: germline.
Comment: This variant is classified as benign based on ACMG/AMP sequence variant interpretation guidelines (Richards et al. 2015 PMID: 25741868, with internal and published modifications).